The following is an entry in ClinVar:

ClinVar aggregate classification (germline): Uncertain significance (1 of 4 stars; one submission).

Conditions:
Hereditary cancer-predisposing syndrome. Also called: Neoplastic Syndromes, Hereditary; Tumor predisposition; Hereditary neoplastic syndrome; Hereditary Cancer Syndrome. Identifiers: Orphanet 140162, MedGen C0027672, MeSH D009386, MONDO:0015356.

Submission:

Ambry Genetics
Classification: Uncertain significance for Hereditary cancer-predisposing syndrome. Last evaluated: 2026-07-07. Review status: criteria provided, single submitter. Criteria: Ambry Variant Classification Scheme 2023. Collection method: clinical testing. Allele origin: germline.
Comment: The p.A141T variant (also known as c.421G>A), located in coding exon 3 of the TMEM127 gene, results from a G to A substitution at nucleotide position 421. The alanine at codon 141 is replaced by threonine, an amino acid with similar properties. This amino acid position is conserved. In addition, the in silico prediction for this alteration is inconclusive. Based on the available evidence, the clinical significance of this variant remains unclear.

NM_017849.4(TMEM127):c.421G>A (p.Ala141Thr)

Gene: TMEM127 (transmembrane protein 127; minus strand). Cytogenetic location: 2q11.2.
Variant type: single nucleotide variant.
Coding change: c.421G>A on transcript NM_017849.4 (MANE Select); coding-DNA position 421, G replaced by A.
Protein change: p.Ala141Thr; replaces alanine 141 with threonine.
Molecular consequence: missense variant.
Genome position (GRCh38, 1-based): chr2:96,254,104, C>T on the plus strand (G>A on the coding strand, the complement: TMEM127 is on the minus strand). VCF-style: chr2-96254104-C-T. GRCh37 (hg19) VCF-style: chr2-96919842-C-T.
Other names: c.421G>A, p.Ala141Thr (NM_001193304.3); c.169G>A, p.Ala57Thr (NM_001407282.1, NM_001407283.1); short protein forms A57T, A141T.
Identifiers: ClinVar variation 5030892 (VCV005030892.1).